The following is an entry in ClinVar:

NM_000059.4(BRCA2):c.5698_5706delinsCAGAGAGTTATG (p.Ser1900_Asp1902delinsGlnArgValMet)

Gene: BRCA2 (BRCA2 DNA repair associated; plus strand). Cytogenetic location: 13q13.1.
Variant type: Indel.
Coding change: c.5698_5706delinsCAGAGAGTTATG on transcript NM_000059.4 (MANE Select); coding-DNA positions 5698 to 5706, TCAGAGGAT replaced by CAGAGAGTTATG.
Protein change: p.Ser1900_Asp1902delinsGlnArgValMet.
Molecular consequence: inframe indel.
Genome position (GRCh38, 1-based): chr13:32,340,053-32,340,061, TCAGAGGAT replaced by CAGAGAGTTATG. VCF-style: chr13-32340053-TCAGAGGAT-CAGAGAGTTATG. GRCh37 (hg19) VCF-style: chr13-32914190-TCAGAGGAT-CAGAGAGTTATG.
Other names: c.5698_5706delTCAGAGGATinsCAGAGAGTTATG, p.Ser1900_Asp1902delinsGlnArgValMet (NM_001406719.1, NM_001406720.1).
Identifiers: ClinVar variation 2064567 (VCV002064567.4), dbSNP rs2548531514, ClinGen allele CA2580087637.

ClinVar aggregate classification (germline): Uncertain significance (1 of 4 stars; one submission).

Conditions:
Hereditary breast ovarian cancer syndrome. Also called: Hereditary breast and ovarian cancer; Hereditary breast and/or ovarian cancer syndrome; Hereditary breast and ovarian cancer syndrome; Hereditary breast and ovarian cancer syndrome (HBOC); Breast and ovarian cancer; BRCA1- and BRCA2-Associated Hereditary Breast and Ovarian Cancer. Identifiers: Orphanet 145, MedGen C0677776, MeSH D061325, MONDO:0003582. Disease mechanism: loss of function.

Submission:

Labcorp Genetics (formerly Invitae), Labcorp
Classification: Uncertain significance for Hereditary breast ovarian cancer syndrome. Last evaluated: 2022-01-05. Review status: criteria provided, single submitter. Criteria: Invitae Variant Classification Sherloc (09022015). Collection method: clinical testing. Allele origin: germline.
Comment: This variant has not been reported in the literature in individuals affected with BRCA2-related conditions. Experimental studies and prediction algorithms are not available or were not evaluated, and the functional significance of this variant is currently unknown. In summary, the available evidence is currently insufficient to determine the role of this variant in disease. Therefore, it has been classified as a Variant of Uncertain Significance. Information on the frequency of this variant in the gnomAD database is not available, as this variant may be reported differently in the database. This variant, c.5698_5706delinsCAGAGAGTTATG, is a complex sequence change that results in the deletion of 3 and insertion of 4 amino acid(s) in the BRCA2 protein (Ser1900_Asp1902delinsGlnArgValMet).